The following is an entry in ClinVar:

ClinVar aggregate classification (germline): Uncertain significance. Review status: criteria provided, multiple submitters, no conflicts (2 of 4 stars). 2 submissions from 2 submitters: Uncertain significance (2). Last evaluated 2020-10-26.

Conditions:
Early-infantile DEE. Also called: Early infantile epileptic encephalopathy with suppression bursts; Ohtahara syndrome; Early infantile epileptic encephalopathy. Identifiers: Orphanet 1934, MedGen C0393706, MONDO:0800491.

Submissions (2):

Labcorp Genetics (formerly Invitae), Labcorp
Classification: Uncertain significance for Early-infantile DEE. Last evaluated: 2020-10-26. Review status: criteria provided, single submitter. Criteria: Invitae Variant Classification Sherloc (09022015). Collection method: clinical testing. Allele origin: germline.
Comment: This sequence change replaces asparagine with serine at codon 892 of the SCN1A protein (p.Asn892Ser). The asparagine residue is highly conserved and there is a small physicochemical difference between asparagine and serine. This variant is not present in population databases (ExAC no frequency). This variant has not been reported in the literature in individuals with SCN1A-related conditions. ClinVar contains an entry for this variant (Variation ID: 448249). Algorithms developed to predict the effect of missense changes on protein structure and function (SIFT, PolyPhen-2, Align-GVGD) all suggest that this variant is likely to be disruptive, but these predictions have not been confirmed by published functional studies and their clinical significance is uncertain. Algorithms developed to predict the effect of sequence changes on RNA splicing suggest that this variant may create or strengthen a splice site, but this prediction has not been confirmed by published transcriptional studies. In summary, the available evidence is currently insufficient to determine the role of this variant in disease. Therefore, it has been classified as a Variant of Uncertain Significance.

Athena Diagnostics
Classification: Uncertain significance. Last evaluated: 2017-02-24. Review status: criteria provided, single submitter. Criteria: Athena Diagnostics Criteria. Collection method: clinical testing. Allele origin: germline.

NM_001165963.4(SCN1A):c.2675A>G (p.Asn892Ser)

Gene: SCN1A (sodium voltage-gated channel alpha subunit 1; minus strand). Cytogenetic location: 2q24.3.
Variant type: single nucleotide variant.
Coding change: c.2675A>G on transcript NM_001165963.4 (MANE Select); coding-DNA position 2675, A replaced by G.
Protein change: p.Asn892Ser; replaces asparagine 892 with serine.
Molecular consequence: missense variant. On other transcripts: non-coding transcript variant (1).
Genome position (GRCh38, 1-based): chr2:166,038,047, T>C on the plus strand (A>G on the coding strand, the complement: SCN1A is on the minus strand). VCF-style: chr2-166038047-T-C. GRCh37 (hg19) VCF-style: chr2-166894557-T-C.
Other names: c.2591A>G, p.Asn864Ser (NM_001165964.3, NM_001353957.2, NM_001353958.2); c.2675A>G, p.Asn892Ser (NM_001202435.3, NM_001353948.2); c.2642A>G, p.Asn881Ser (NM_001353949.2, NM_001353950.2, NM_001353951.2 and 2 more transcripts); c.2639A>G, p.Asn880Ser (NM_001353954.2, NM_001353955.2); c.2588A>G, p.Asn863Ser (NM_001353960.2); c.233A>G, p.Asn78Ser (NM_001353961.2); short protein forms N881S, N892S, N864S, N880S, N78S, N863S.
Identifiers: ClinVar variation 448249 (VCV000448249.11), dbSNP rs1553541455, ClinGen allele CA349061619.